The following is an entry in ClinVar:

ClinVar aggregate classification (germline): Likely benign (1 of 4 stars; one submission).

Conditions:
PCNT-related disorder. Also called: PCNT-related condition.

gnomAD v4.1: 3 of 1,606,108 alleles (0.00019%); highest among the groups gnomAD compares: African/African-American, 0.0027%; no homozygotes.

Submission:

PreventionGenetics, part of Exact Sciences
Classification: Likely benign for PCNT-related condition. Last evaluated: 2025-05-10. Review status: criteria provided, single submitter. Criteria: ACMG Guidelines, 2015. Collection method: clinical testing. Allele origin: germline.
Comment: This variant is classified as likely benign based on ACMG/AMP sequence variant interpretation guidelines (Richards et al. 2015 PMID: 25741868, with internal and published modifications).

NM_006031.6(PCNT):c.2604G>T (p.Arg868=)

Gene: PCNT (pericentrin; plus strand). Cytogenetic location: 21q22.3.
Variant type: single nucleotide variant.
Coding change: c.2604G>T on transcript NM_006031.6 (MANE Select); coding-DNA position 2604, G replaced by T.
Protein change: p.Arg868=; no amino-acid change (arginine 868 retained).
Molecular consequence: synonymous variant.
Genome position (GRCh38, 1-based): chr21:46,363,929, G>T. VCF-style: chr21-46363929-G-T. GRCh37 (hg19) VCF-style: chr21-47783844-G-T.
Other names: c.2250G>T, p.Arg750= (NM_001315529.2).
Identifiers: ClinVar variation 4978289 (VCV004978289.1).